The following is an entry in ClinVar:

ClinVar aggregate classification (germline): Uncertain significance. Review status: criteria provided, multiple submitters, no conflicts (2 of 4 stars). 2 submissions from 2 submitters: Uncertain significance (2). Last evaluated 2025-02-03.

Submissions (2):

Labcorp Genetics (formerly Invitae), Labcorp
Classification: Uncertain significance. Last evaluated: 2025-02-03. Review status: criteria provided, single submitter. Criteria: Invitae Variant Classification Sherloc (09022015). Collection method: clinical testing. Allele origin: germline.
Comment: This variant, c.464_466del, results in the deletion of 1 amino acid(s) of the EMC1 protein (p.His155del), but otherwise preserves the integrity of the reading frame. This variant is present in population databases (rs750725752, gnomAD 0.004%). This variant has not been reported in the literature in individuals affected with EMC1-related conditions. ClinVar contains an entry for this variant (Variation ID: 1309031). Experimental studies and prediction algorithms are not available or were not evaluated, and the functional significance of this variant is currently unknown. In summary, the available evidence is currently insufficient to determine the role of this variant in disease. Therefore, it has been classified as a Variant of Uncertain Significance.

GeneDx
Classification: Uncertain significance. Last evaluated: 2019-10-07. Review status: criteria provided, single submitter. Criteria: GeneDx Variant Classification Process June 2021. Collection method: clinical testing. Allele origin: germline. Affected: yes.
Comment: In-frame deletion of 1 amino acid in a non-repeat region; In silico analysis, which includes protein predictors and evolutionary conservation, supports that this variant does not alter protein structure/function; Not observed at a significant frequency in large population cohorts (Lek et al., 2016); Has not been previously published as pathogenic or benign to our knowledge

NM_015047.3(EMC1):c.464_466del (p.His155del)

Gene: EMC1 (ER membrane protein complex subunit 1; minus strand). Cytogenetic location: 1p36.13.
Variant type: Deletion.
Coding change: c.464_466del on transcript NM_015047.3 (MANE Select); coding-DNA positions 464 to 466, 3 bases deleted (ACC; older notation c.464_466delACC).
Protein change: p.His155del; deletes histidine 155.
Molecular consequence: inframe deletion.
Genome position (GRCh38, 1-based): chr1:19,242,388-19,242,390, GGT deleted on the plus strand (ACC on the coding strand, the reverse complement: EMC1 is on the minus strand); deleting any 3 consecutive bases within chr1:19,242,388-19,242,391 gives the same sequence; the c. name uses the placement nearest the transcript's 3' end. VCF-style (leftmost placement, unchanged base first): chr1-19242387-AGGT-A. GRCh37 (hg19) VCF-style: chr1-19568881-AGGT-A.
Other names: c.464_466del, p.His155del (NM_001271427.2, NM_001271428.2, NM_001375820.1 and 1 more transcripts); c.398_400del, p.His133del (NM_001271429.2); short protein forms H133del, H155del.
Identifiers: ClinVar variation 1309031 (VCV001309031.9), dbSNP rs750725752, ClinGen allele CA652901.